The following is an entry in ClinVar:

NM_001999.4(FBN2):c.6477T>C (p.His2159=)

Gene: FBN2 (fibrillin 2; minus strand). Cytogenetic location: 5q23.3.
Variant type: single nucleotide variant.
Coding change: c.6477T>C on transcript NM_001999.4 (MANE Select); coding-DNA position 6477, T replaced by C.
Protein change: p.His2159=; no amino-acid change (histidine 2159 retained).
Molecular consequence: synonymous variant.
Genome position (GRCh38, 1-based): chr5:128,289,916, A>G on the plus strand (T>C on the coding strand, the complement: FBN2 is on the minus strand). VCF-style: chr5-128289916-A-G. GRCh37 (hg19) VCF-style: chr5-127625608-A-G.
Identifiers: ClinVar variation 383477 (VCV000383477.12), dbSNP rs768972914, ClinGen allele CA3394401.

ClinVar aggregate classification (germline): Likely benign. Review status: criteria provided, multiple submitters, no conflicts (2 of 4 stars). 4 submissions from 4 submitters: Likely benign (4). Last evaluated 2024-11-27.

Conditions:
Familial thoracic aortic aneurysm and aortic dissection (TAAD). Also called: Thoracic aortic aneurysms and dissections. Identifiers: Orphanet 91387, MedGen C4707243, MONDO:0019625.
Congenital contractural arachnodactyly (CCA). Also called: Arthrogryposis, distal, type 9; BEALS SYNDROME; Beals-Hecht syndrome. Identifiers: Orphanet 115, MedGen C0220668, MONDO:0007363, OMIM 121050.

Allele frequency attached by ClinVar (database versions not stated): TOPMed below 0.00001; ExAC 0.00001; gnomAD exomes 0.00001.
gnomAD v4.1: 17 of 1,605,656 alleles (0.0011%); highest among the groups gnomAD compares: Non-Finnish European, 0.0012%; no homozygotes.

Submissions (4):

Labcorp Genetics (formerly Invitae), Labcorp
Classification: Likely benign for Congenital contractural arachnodactyly. Last evaluated: 2024-11-27. Review status: criteria provided, single submitter. Criteria: Invitae Variant Classification Sherloc (09022015). Collection method: clinical testing. Allele origin: germline.

Blueprint Genetics
Classification: Likely benign. Last evaluated: 2024-06-28. Review status: criteria provided, single submitter. Criteria: ACMG Guidelines, 2015. Collection method: clinical testing. Allele origin: germline.

Ambry Genetics
Classification: Likely benign for Familial thoracic aortic aneurysm and aortic dissection. Last evaluated: 2020-01-23. Review status: criteria provided, single submitter. Criteria: Ambry Variant Classification Scheme 2023. Collection method: clinical testing. Allele origin: germline.

GeneDx
Classification: Likely benign. Last evaluated: 2017-06-15. Review status: criteria provided, single submitter. Criteria: GeneDx Variant Classification (06012015). Collection method: clinical testing. Allele origin: germline. Affected: yes.
Comment: This variant is considered likely benign or benign based on one or more of the following criteria: it is a conservative change, it occurs at a poorly conserved position in the protein, it is predicted to be benign by multiple in silico algorithms, and/or has population frequency not consistent with disease.